The following is an entry in ClinVar:

NM_014159.7(SETD2):c.3092T>C (p.Val1031Ala)

Gene: SETD2 (SET domain containing 2, histone lysine methyltransferase; minus strand). Cytogenetic location: 3p21.31.
Variant type: single nucleotide variant.
Coding change: c.3092T>C on transcript NM_014159.7 (MANE Select); coding-DNA position 3092, T replaced by C.
Protein change: p.Val1031Ala; replaces valine 1031 with alanine.
Molecular consequence: missense variant. On other transcripts: non-coding transcript variant (1).
Genome position (GRCh38, 1-based): chr3:47,121,544, A>G on the plus strand (T>C on the coding strand, the complement: SETD2 is on the minus strand). VCF-style: chr3-47121544-A-G. GRCh37 (hg19) VCF-style: chr3-47163034-A-G.
Other names: c.2960T>C, p.Val987Ala (NM_001349370.3); short protein forms V1031A, V987A.
Identifiers: ClinVar variation 4991215 (VCV004991215.1).

ClinVar aggregate classification (germline): Uncertain significance (1 of 4 stars; one submission).

Conditions:
SETD2-related disorder.

Submission:

PreventionGenetics, part of Exact Sciences
Classification: Uncertain significance for SETD2-related condition. Last evaluated: 2025-10-21. Review status: criteria provided, single submitter. Criteria: ACMG Guidelines, 2015. Collection method: clinical testing. Allele origin: germline.
Comment: The SETD2 c.3092T>C variant is predicted to result in the amino acid substitution p.Val1031Ala. To our knowledge, this variant has not been reported in the literature. This variant is absent in a large population database (gnomAD), indicating this variant is rare. At this time, the clinical significance of this variant is uncertain due to the absence of conclusive functional and genetic evidence.